The following is an entry in ClinVar:

NM_012330.4(KAT6B):c.1627C>G (p.Leu543Val)

Gene: KAT6B (lysine acetyltransferase 6B; plus strand). Cytogenetic location: 10q22.2.
Variant type: single nucleotide variant.
Coding change: c.1627C>G on transcript NM_012330.4 (MANE Select); coding-DNA position 1627, C replaced by G.
Protein change: p.Leu543Val; replaces leucine 543 with valine.
Molecular consequence: missense variant. On other transcripts: intron variant (13).
Genome position (GRCh38, 1-based): chr10:74,975,964, C>G. VCF-style: chr10-74975964-C-G. GRCh37 (hg19) VCF-style: chr10-76735722-C-G.
Other names: c.846+6189C>G (NM_001370133.1); c.193-3260C>G (NM_001370134.1); c.1117+510C>G (NM_001370141.1, NM_001256469.2, NM_001370132.1 and 3 more transcripts); c.929-1352C>G (NM_001370143.1, NM_001370144.1); c.1444+183C>G (NM_001256468.2, NM_001370138.1); c.193-13055C>G (NM_001370135.1); c.1627C>G, p.Leu543Val (NM_001370136.1, NM_001370137.1); short protein forms L543V.
Identifiers: ClinVar variation 1703378 (VCV001703378.2), dbSNP rs2548955229, ClinGen allele CA377287434.

ClinVar aggregate classification (germline): Uncertain significance (1 of 4 stars; one submission).

Submission:

GeneDx
Classification: Uncertain significance. Last evaluated: 2022-02-24. Review status: criteria provided, single submitter. Criteria: GeneDx Variant Classification Process June 2021. Collection method: clinical testing. Allele origin: germline. Affected: yes.
Comment: Not observed at significant frequency in large population cohorts (gnomAD); In silico analysis supports that this missense variant does not alter protein structure/function; Has not been previously published as pathogenic or benign to our knowledge